The following is an entry in ClinVar:

NM_001277115.2(DNAH11):c.9210C>T (p.Thr3070=)

Gene: DNAH11 (dynein axonemal heavy chain 11; plus strand). Cytogenetic location: 7p15.3.
Variant type: single nucleotide variant.
Coding change: c.9210C>T on transcript NM_001277115.2 (MANE Select); coding-DNA position 9210, C replaced by T.
Protein change: p.Thr3070=; no amino-acid change (threonine 3070 retained).
Molecular consequence: synonymous variant.
Genome position (GRCh38, 1-based): chr7:21,773,873, C>T. VCF-style: chr7-21773873-C-T. GRCh37 (hg19) VCF-style: chr7-21813491-C-T.
Identifiers: ClinVar variation 4280065 (VCV004280065.1).

ClinVar aggregate classification (germline): Uncertain significance (1 of 4 stars; one submission).

Conditions:
Primary ciliary dyskinesia 7. Also called: CILIARY DYSKINESIA, PRIMARY, 7, WITH OR WITHOUT SITUS INVERSUS. Identifiers: Orphanet 244, MedGen C2678473, MONDO:0012748, OMIM 611884.

Submission:

Johns Hopkins Genomics, Johns Hopkins University
Classification: Uncertain significance for Primary ciliary dyskinesia 7. Last evaluated: 2025-02-03. Review status: criteria provided, single submitter. Criteria: ACMG Guidelines, 2015. Collection method: clinical testing. Allele origin: germline.
Comment: This DNAH11 variant is absent from a large population dataset and has not been reported in ClinVar nor in the literature in individuals with primary ciliary dyskinesia 7, to our knowledge. Bioinformatic analysis predicts that this synonymous variant would not affect normal exon 56 splicing, although this has not been confirmed experimentally to our knowledge. Due to the lack of clinical and functional data supporting that this variant is deleterious, we consider the clinical significance of DNAH11 c.9210C>T to be uncertain at this time.